The following is an entry in ClinVar:

NM_002386.4(MC1R):c.659G>A (p.Gly220Asp)

Gene: MC1R (melanocortin 1 receptor; plus strand). Cytogenetic location: 16q24.3.
Variant type: single nucleotide variant.
Coding change: c.659G>A on transcript NM_002386.4 (MANE Select); coding-DNA position 659, G replaced by A.
Protein change: p.Gly220Asp; replaces glycine 220 with aspartic acid.
Molecular consequence: missense variant.
Genome position (GRCh38, 1-based): chr16:89,919,917, G>A. VCF-style: chr16-89919917-G-A. GRCh37 (hg19) VCF-style: chr16-89986325-G-A.
Other names: short protein forms G220D.
Identifiers: ClinVar variation 576066 (VCV000576066.10), dbSNP rs1567758442, ClinGen allele CA397462626.
Genomic context (GRCh38, chr16:89,919,917, plus strand): 5'-TGGTGCTCATGGCCGTGCTGTACGTCCACATGCTGGCCCGGGCCTGCCAGCACGCCCAGG[G>A]CATCGCCCGGCTCCACAAGAGGCAGCGCCCGGTCCACCAGGGCTTTGGCCTTAAAGGCGC-3'
Protein context (NP_002377.4, residues 210-230): MLARACQHAQ[Gly220Asp]IARLHKRQRP

ClinVar aggregate classification (germline): Uncertain significance (1 of 4 stars; one submission).

Conditions:
Melanoma, cutaneous malignant, susceptibility to, 5. Also called: Cutaneous malignant melanoma 5. Identifiers: Orphanet 618, MedGen C2751295, MONDO:0013133, OMIM 613099.

Submission:

Labcorp Genetics (formerly Invitae), Labcorp
Classification: Uncertain significance for Melanoma, cutaneous malignant, susceptibility to, 5. Last evaluated: 2023-08-17. Review status: criteria provided, single submitter. Criteria: Invitae Variant Classification Sherloc (09022015). Collection method: clinical testing. Allele origin: germline.
Comment: In summary, the available evidence is currently insufficient to determine the role of this variant in disease. Therefore, it has been classified as a Variant of Uncertain Significance. Advanced modeling of protein sequence and biophysical properties (such as structural, functional, and spatial information, amino acid conservation, physicochemical variation, residue mobility, and thermodynamic stability) performed at Invitae indicates that this missense variant is not expected to disrupt MC1R protein function. ClinVar contains an entry for this variant (Variation ID: 576066). This variant has not been reported in the literature in individuals affected with MC1R-related conditions. This variant is not present in population databases (gnomAD no frequency). This sequence change replaces glycine, which is neutral and non-polar, with aspartic acid, which is acidic and polar, at codon 220 of the MC1R protein (p.Gly220Asp).